The following is an entry in ClinVar:

ClinVar aggregate classification (germline): Uncertain significance. Review status: criteria provided, multiple submitters, no conflicts (2 of 4 stars). 2 submissions from 2 submitters: Uncertain significance (2). Last evaluated 2022-04-13.

Conditions:
Familial thoracic aortic aneurysm and aortic dissection (TAAD). Also called: Thoracic aortic aneurysms and dissections. Identifiers: Orphanet 91387, MedGen C4707243, MONDO:0019625.
Arterial tortuosity syndrome (ATORS). Identifiers: Orphanet 3342, MedGen C1859726, MONDO:0008818, OMIM 208050.

Allele frequency attached by ClinVar (database versions not stated): TOPMed 0.00001.
gnomAD v4.1: 15 of 1,614,054 alleles (0.00093%); highest among the groups gnomAD compares: Non-Finnish European, 0.0012%; no homozygotes.

Submissions (2):

Labcorp Genetics (formerly Invitae), Labcorp
Classification: Uncertain significance for Arterial tortuosity syndrome. Last evaluated: 2022-04-13. Review status: criteria provided, single submitter. Criteria: Invitae Variant Classification Sherloc (09022015). Collection method: clinical testing. Allele origin: germline.
Comment: This sequence change replaces aspartic acid, which is acidic and polar, with glycine, which is neutral and non-polar, at codon 468 of the SLC2A10 protein (p.Asp468Gly). This variant is present in population databases (no rsID available, gnomAD 0.0009%). This variant has not been reported in the literature in individuals affected with SLC2A10-related conditions. Algorithms developed to predict the effect of missense changes on protein structure and function (SIFT, PolyPhen-2, Align-GVGD) all suggest that this variant is likely to be disruptive. In summary, the available evidence is currently insufficient to determine the role of this variant in disease. Therefore, it has been classified as a Variant of Uncertain Significance.

Ambry Genetics
Classification: Uncertain significance for Familial thoracic aortic aneurysm and aortic dissection. Last evaluated: 2020-06-05. Review status: criteria provided, single submitter. Criteria: Ambry Variant Classification Scheme 2023. Collection method: clinical testing. Allele origin: germline.
Comment: The p.D468G variant (also known as c.1403A>G), located in coding exon 3 of the SLC2A10 gene, results from an A to G substitution at nucleotide position 1403. The aspartic acid at codon 468 is replaced by glycine, an amino acid with similar properties. This amino acid position is not well conserved in available vertebrate species. In addition, this alteration is predicted to be tolerated by in silico analysis. Since supporting evidence is limited at this time, the clinical significance of this alteration remains unclear.

NM_030777.4(SLC2A10):c.1403A>G (p.Asp468Gly)

Gene: SLC2A10 (solute carrier family 2 member 10; plus strand). Cytogenetic location: 20q13.12.
Variant type: single nucleotide variant.
Coding change: c.1403A>G on transcript NM_030777.4 (MANE Select); coding-DNA position 1403, A replaced by G.
Protein change: p.Asp468Gly; replaces aspartic acid 468 with glycine.
Molecular consequence: missense variant.
Genome position (GRCh38, 1-based): chr20:46,726,978, A>G. VCF-style: chr20-46726978-A-G. GRCh37 (hg19) VCF-style: chr20-45355617-A-G.
Other names: short protein forms D468G.
Identifiers: ClinVar variation 1771852 (VCV001771852.5), dbSNP rs776612935, ClinGen allele CA409272265.
Genomic context (GRCh38, chr20:46,726,978, plus strand): 5'-TCGCCTTCTGCAACAGCTTCAACTGGGCGGCCAACCTCTTCATCAGCCTCTCCTTCCTCG[A>G]TCTCATTGGTGAGTCCTTCCCAGACAAGTCCGTTTTTTTTCTGTGGCCCAAGCTCCCTAC-3'
Protein context (NP_110404.1, residues 458-478): ANLFISLSFL[Asp468Gly]LIGTIGLSWT